The following is an entry in ClinVar:

NM_153682.3(PIGP):c.369C>T (p.Phe123=)

Gene: PIGP (phosphatidylinositol glycan anchor biosynthesis class P; minus strand). Cytogenetic location: 21q22.13.
Variant type: single nucleotide variant.
Coding change: c.369C>T on transcript NM_153682.3 (MANE Select); coding-DNA position 369, C replaced by T.
Protein change: p.Phe123=; no amino-acid change (phenylalanine 123 retained).
Molecular consequence: synonymous variant.
Genome position (GRCh38, 1-based): chr21:37,065,618, G>A on the plus strand (C>T on the coding strand, the complement: PIGP is on the minus strand). VCF-style: chr21-37065618-G-A. GRCh37 (hg19) VCF-style: chr21-38437918-G-A.
Other names: c.369C>T, p.Phe123= (NM_001320480.2); c.291C>T, p.Phe97= (NM_016430.4); c.441C>T, p.Phe147= (NM_153681.2); c.369C>T (NM_153682.2).
Identifiers: ClinVar variation 713319 (VCV000713319.24), dbSNP rs11553684, ClinGen allele CA10021025.
Genomic context (GRCh38, chr21:37,065,618, plus strand): 5'-GGTGTTACTATGGTTACACACAGTTCAGTTTTTGGTGTAAAGTTCTTTGGCTGCAAGAAA[G>A]AACATTTGGTTTACTTCACTAATAGAAATATCTCTTAAGGCTGGAATGGCCTCCTCTTGG-3'
Protein context (NP_710149.1, residues 113-133): DISISEVNQM[Phe123=]FLAAKELYTK

ClinVar aggregate classification (germline): Benign/Likely benign. Review status: criteria provided, multiple submitters, no conflicts (2 of 4 stars). 3 submissions from 3 submitters: Benign (2); Likely benign (1). Last evaluated 2026-07-01.

Conditions:
PIGP-related disorder. Also called: PIGP-related condition.

Allele frequency attached by ClinVar (database versions not stated): ESP Exome Variant Server 0.00015; TOPMed 0.00096; gnomAD 0.00305 and 0.00323; ExAC 0.00393; 1000 Genomes Project 30x 0.00422; gnomAD exomes 0.00475; 1000 Genomes Project 0.00499.
gnomAD v4.1: 3,187 of 1,613,284 alleles (0.2%); highest among the groups gnomAD compares: East Asian, 1.4%; 50 homozygotes.

Submissions (3):

CeGaT Center for Human Genetics Tuebingen
Classification: Likely benign. Last evaluated: 2026-07-01. Review status: criteria provided, single submitter. Criteria: CeGaT Center For Human Genetics Tuebingen Variant Classification Criteria Version 2. Collection method: clinical testing. Allele origin: germline. Affected: yes. Observed: 4 variant alleles.
Comment: PIGP: BP4, BP7, BS1

PreventionGenetics, part of Exact Sciences
Classification: Benign for PIGP-related condition. Last evaluated: 2026-02-05. Review status: criteria provided, single submitter. Criteria: ACMG Guidelines, 2015. Collection method: clinical testing. Allele origin: germline.
Comment: This variant is classified as benign based on ACMG/AMP sequence variant interpretation guidelines (Richards et al. 2015 PMID: 25741868, with internal and published modifications).

Labcorp Genetics (formerly Invitae), Labcorp
Classification: Benign. Last evaluated: 2026-01-13. Review status: criteria provided, single submitter. Criteria: Invitae Variant Classification Sherloc (09022015). Collection method: clinical testing. Allele origin: germline.